The following is an entry in ClinVar:

ClinVar aggregate classification (germline): Uncertain significance. Review status: criteria provided, multiple submitters, no conflicts (2 of 4 stars). 2 submissions from 2 submitters: Uncertain significance (2). Last evaluated 2025-06-17.

Conditions:
Intellectual developmental disorder with autism and macrocephaly. Also called: Autism, susceptibility to, 18; CHD8-Related Neurodevelopmental Disorder with Overgrowth. Identifiers: Orphanet 642675, MedGen C3554373, MONDO:0014017, OMIM 615032.

gnomAD v4.1: 3 of 1,569,918 alleles (0.00019%); highest among the groups gnomAD compares: African/African-American, 0.0041%; no homozygotes.

Submissions (2):

Dasa
Classification: Uncertain significance for Intellectual developmental disorder with autism and macrocephaly. Last evaluated: 2025-06-17. Review status: criteria provided, single submitter. Criteria: DASA Assertion Criteria. Collection method: clinical testing. Allele origin: germline.
Comment: NM_001170629.2(CHD8):c.7270C>A (p.Pro2424Thr) is a missense variant that results in the substitution of proline with threonine. This variant is rare in population databases. Computational prediction algorithms are consistent with a benign effect. The currently available literature and clinical evidence are not sufficient to establish a definitive association between this variant and the reported condition. Therefore, this variant is classified as a variant of uncertain significance.

Labcorp Genetics (formerly Invitae), Labcorp
Classification: Uncertain significance. Last evaluated: 2025-04-14. Review status: criteria provided, single submitter. Criteria: Invitae Variant Classification Sherloc (09022015). Collection method: clinical testing. Allele origin: germline.
Comment: This sequence change replaces proline, which is neutral and non-polar, with threonine, which is neutral and polar, at codon 2424 of the CHD8 protein (p.Pro2424Thr). This variant is not present in population databases (gnomAD no frequency). This variant has not been reported in the literature in individuals affected with CHD8-related conditions. Invitae Evidence Modeling of protein sequence and biophysical properties (such as structural, functional, and spatial information, amino acid conservation, physicochemical variation, residue mobility, and thermodynamic stability) indicates that this missense variant is not expected to disrupt CHD8 protein function with a negative predictive value of 95%. In summary, the available evidence is currently insufficient to determine the role of this variant in disease. Therefore, it has been classified as a Variant of Uncertain Significance.

NM_001170629.2(CHD8):c.7270C>A (p.Pro2424Thr)

Gene: CHD8 (chromodomain helicase DNA binding protein 8; minus strand). Cytogenetic location: 14q11.2.
Variant type: single nucleotide variant.
Coding change: c.7270C>A on transcript NM_001170629.2 (MANE Select); coding-DNA position 7270, C replaced by A.
Protein change: p.Pro2424Thr; replaces proline 2424 with threonine.
Molecular consequence: missense variant.
Genome position (GRCh38, 1-based): chr14:21,386,089, G>T on the plus strand (C>A on the coding strand, the complement: CHD8 is on the minus strand). VCF-style: chr14-21386089-G-T. GRCh37 (hg19) VCF-style: chr14-21854248-G-T.
Other names: c.6433C>A, p.Pro2145Thr (NM_020920.4); short protein forms P2424T, P2145T.
Identifiers: ClinVar variation 4706082 (VCV004706082.3).